The following is an entry in ClinVar:

ClinVar aggregate classification (germline): Benign/Likely benign. Review status: criteria provided, multiple submitters, no conflicts (2 of 4 stars). 3 submissions from 3 submitters: Benign (2); Likely benign (1). Last evaluated 2024-01-01.

Allele frequency attached by ClinVar (database versions not stated): ExAC 0.00091; gnomAD exomes 0.00100; 1000 Genomes Project 30x 0.00109; 1000 Genomes Project 0.00120; TOPMed 0.00121; ESP Exome Variant Server 0.00131.
gnomAD v4.1: 2,887 of 1,613,370 alleles (0.18%); highest among the groups gnomAD compares: Non-Finnish European, 0.23%; 6 homozygotes.

Submissions (3):

CeGaT Center for Human Genetics Tuebingen
Classification: Likely benign. Last evaluated: 2024-01-01. Review status: criteria provided, single submitter. Criteria: CeGaT Center For Human Genetics Tuebingen Variant Classification Criteria Version 2. Collection method: clinical testing. Allele origin: germline. Affected: yes. Observed: 3 variant alleles.
Comment: CDH15: BP4, BS2

Labcorp Genetics (formerly Invitae), Labcorp
Classification: Benign. Last evaluated: 2019-12-31. Review status: criteria provided, single submitter. Criteria: Invitae Variant Classification Sherloc (09022015). Collection method: clinical testing. Allele origin: germline.

Breakthrough Genomics
Classification: Benign. Review status: criteria provided, single submitter. Criteria: ACMG Guidelines, 2015. Collection method: not provided. Allele origin: germline. Inheritance: Autosomal dominant inheritance. Affected: yes.

NM_004933.3(CDH15):c.792+7C>T

Genes: CDH15 (cadherin 15; plus strand), LOC130059793 (ATAC-STARR-seq lymphoblastoid active region 11396; plus strand). Cytogenetic location: 16q24.3.
Variant type: single nucleotide variant.
Coding change: c.792+7C>T on transcript NM_004933.3 (MANE Select); 7 bases into the intron after coding-DNA position 792, C replaced by T.
Molecular consequence: intron variant.
Genome position (GRCh38, 1-based): chr16:89,187,564, C>T. VCF-style: chr16-89187564-C-T. GRCh37 (hg19) VCF-style: chr16-89253972-C-T.
Identifiers: ClinVar variation 729499 (VCV000729499.35), dbSNP rs188390871, ClinGen allele CA8238990.